The following is an entry in ClinVar:

NM_000138.5(FBN1):c.6159C>A (p.Cys2053Ter)

Gene: FBN1 (fibrillin 1; minus strand). Cytogenetic location: 15q21.1.
Variant type: single nucleotide variant.
Coding change: c.6159C>A on transcript NM_000138.5 (MANE Select); coding-DNA position 6159, C replaced by A.
Protein change: p.Cys2053Ter; replaces cysteine 2053 with a stop codon.
Molecular consequence: nonsense.
Genome position (GRCh38, 1-based): chr15:48,441,725, G>T on the plus strand (C>A on the coding strand, the complement: FBN1 is on the minus strand). VCF-style: chr15-48441725-G-T. GRCh37 (hg19) VCF-style: chr15-48733922-G-T.
Other names: short protein forms C2053*.
Identifiers: ClinVar variation 406369 (VCV000406369.9), dbSNP rs1060501095, ClinGen allele CA16614635.

ClinVar aggregate classification (germline): Pathogenic (1 of 4 stars; one submission).

Conditions:
Marfan syndrome (MFS). Also called: Marfan syndrome, classic; Marfan syndrome type 1; Marfan's syndrome; MARFAN SYNDROME, TYPE I; FBN1-Related Marfan Syndrome. Identifiers: Orphanet 284963, Orphanet 558, MedGen C0024796, MONDO:0007947, OMIM 154700.
Familial thoracic aortic aneurysm and aortic dissection (TAAD). Also called: Thoracic aortic aneurysms and dissections. Identifiers: Orphanet 91387, MedGen C4707243, MONDO:0019625.

Submission:

Labcorp Genetics (formerly Invitae), Labcorp
Classification: Pathogenic for Marfan syndrome; Familial thoracic aortic aneurysm and aortic dissection. Last evaluated: 2022-11-22. Review status: criteria provided, single submitter. Criteria: Invitae Variant Classification Sherloc (09022015). Collection method: clinical testing. Allele origin: germline.
Comment: This sequence change creates a premature translational stop signal (p.Cys2053*) in the FBN1 gene. It is expected to result in an absent or disrupted protein product. Loss-of-function variants in FBN1 are known to be pathogenic (PMID: 17657824, 19293843). For these reasons, this variant has been classified as Pathogenic. ClinVar contains an entry for this variant (Variation ID: 406369). This premature translational stop signal has been observed in individual(s) with Marfan syndrome (PMID: 17657824, 19293843). This variant is not present in population databases (gnomAD no frequency).

Literature cited by the submitters: PubMed 17657824; PubMed 19293843.